The following is an entry in ClinVar:

ClinVar aggregate classification (germline): Benign/Likely benign. Review status: criteria provided, multiple submitters, no conflicts (2 of 4 stars). 17 submissions from 16 submitters: Benign (10); Likely benign (2). 5 of the submissions do not count toward it. Last evaluated 2026-02-04.

Conditions:
Inborn genetic diseases. Identifiers: MedGen C0950123, MeSH D030342.
Alpha-1-antitrypsin deficiency (A1ATD). Also called: AAT deficiency; A1AT deficiency; Alpha1-Antitrypsin Deficiency. Identifiers: Orphanet 60, MedGen C0221757, MONDO:0013282, OMIM 613490.
PI M4.
PI M2.

Allele frequency attached by ClinVar (database versions not stated): gnomAD exomes 0.16095 and 0.15998; ExAC 0.16313; gnomAD 0.12614 and 0.11804; 1000 Genomes Project 30x 0.15162; 1000 Genomes Project 0.16054; TOPMed 0.11726.
gnomAD v4.1: 254,783 of 1,614,092 alleles (16%); highest among the groups gnomAD compares: South Asian, 27%; 21,879 homozygotes.

Submissions (17):

Labcorp Genetics (formerly Invitae), Labcorp
Classification: Benign for Alpha-1-antitrypsin deficiency. Last evaluated: 2026-02-04. Review status: criteria provided, single submitter. Criteria: Invitae Variant Classification Sherloc (09022015). Collection method: clinical testing. Allele origin: germline.

Women's Health and Genetics/Laboratory Corporation of America, LabCorp
Classification: Likely benign. Last evaluated: 2025-09-15. Review status: criteria provided, single submitter. Criteria: LabCorp Variant Classification Summary - May 2015. Collection method: clinical testing. Allele origin: germline.

Blueprint Genetics
Classification: Likely benign. Last evaluated: 2024-11-27. Review status: criteria provided, single submitter. Criteria: ACMG Guidelines, 2015. Collection method: clinical testing. Allele origin: germline.

Fulgent Genetics
Classification: Benign for Alpha-1-antitrypsin deficiency. Last evaluated: 2022-01-27. Review status: criteria provided, single submitter. Criteria: ACMG Guidelines, 2015. Collection method: clinical testing. Allele origin: unknown.

Mayo Clinic Laboratories, Mayo Clinic
Classification: Benign. Last evaluated: 2021-05-28. Review status: criteria provided, single submitter. Criteria: ACMG Guidelines, 2015. Collection method: clinical testing. Allele origin: germline. Observed: 111 variant alleles.

GeneDx
Classification: Benign. Last evaluated: 2018-07-09. Review status: criteria provided, single submitter. Criteria: GeneDx Variant Classification Process June 2021. Collection method: clinical testing. Allele origin: germline. Affected: yes.
Comment: This variant is associated with the following publications: (PMID: 22426792, 27153395, 2339709, 20981092, 14551891, 2901226)

Illumina Laboratory Services, Illumina
Classification: Benign for Alpha-1-antitrypsin deficiency. Last evaluated: 2018-03-06. Review status: criteria provided, single submitter. Criteria: ICSL Variant Classification Criteria 13 December 2019. Collection method: clinical testing. Allele origin: germline.
Comment: This variant was observed in the ICSL laboratory as part of a predisposition screen in an ostensibly healthy population. It had not been previously curated by ICSL or reported in the Human Gene Mutation Database (HGMD: prior to June 1st, 2018), and was therefore a candidate for classification through an automated scoring system. Utilizing variant allele frequency, disease prevalence and penetrance estimates, and inheritance mode, an automated score was calculated to assess if this variant is too frequent to cause the disease. Based on the score and internal cut-off values, a variant classified as benign is not then subjected to further curation. The score for this variant resulted in a classification of benign for this disease.

Ambry Genetics
Classification: Benign for Inborn genetic diseases. Last evaluated: 2017-08-02. Review status: criteria provided, single submitter. Criteria: Ambry Variant Classification Scheme 2023. Collection method: clinical testing. Allele origin: germline.

Eurofins Ntd Llc (ga)
Classification: Benign. Last evaluated: 2016-08-25. Review status: criteria provided, single submitter. Criteria: EGL Classification Definitions 2015. Collection method: clinical testing. Allele origin: germline. Observed: 1 variant allele, 1 heterozygote.

Laboratory for Molecular Medicine, Mass General Brigham Personalized Medicine
Classification: Benign. Last evaluated: 2015-08-06. Review status: criteria provided, single submitter. Criteria: LMM Criteria. Collection method: clinical testing. Allele origin: germline. Observed: 24 variant alleles.
Comment: p.Arg125His in exon 4 of SERPINA1: This variant is not expected to have clinical significance because it has been identified in 27% (4488/16512) of South Asian chromosomes by the Exome Aggregation Consortium (ExAC; dbSNP rs709932).

Breakthrough Genomics
Classification: Benign. Review status: criteria provided, single submitter. Criteria: ACMG Guidelines, 2015. Collection method: not provided. Allele origin: germline. Inheritance: Autosomal recessive inheritance. Affected: yes.

PreventionGenetics, part of Exact Sciences
Classification: Benign. Review status: criteria provided, single submitter. Criteria: ACMG Guidelines, 2015. Collection method: clinical testing. Allele origin: germline.

OMIM
Classification: other for PI M2. Last evaluated: 2016-07-15. Review status: no assertion criteria provided. Collection method: literature only. Allele origin: germline. Not counted in ClinVar's aggregate classification.

OMIM
Classification: other for PI M4. Last evaluated: 2016-07-15. Review status: no assertion criteria provided. Collection method: literature only. Allele origin: germline. Not counted in ClinVar's aggregate classification.

Department of Laboratory Medicine and Genetics, Trillium Health Partners Credit Valley Hospital
Classification: Benign for Alpha-1-antitrypsin deficiency. Last evaluated: 2014-12-08. Review status: no assertion criteria provided. Collection method: curation. Allele origin: germline. Affected: no. Not counted in ClinVar's aggregate classification.
Comment: Common normal allele

Clinical Genetics DNA and cytogenetics Diagnostics Lab, Erasmus MC, Erasmus Medical Center
Classification: Benign. Review status: no assertion criteria provided. Collection method: clinical testing. Allele origin: germline. Affected: yes. Study: VKGL Data-share Consensus. Not counted in ClinVar's aggregate classification.

Diagnostic Laboratory, Department of Genetics, University Medical Center Groningen
Classification: Benign for Alpha-1-antitrypsin deficiency. Review status: no assertion criteria provided. Collection method: clinical testing. Allele origin: germline. Affected: yes. Study: VKGL Data-share Consensus. Not counted in ClinVar's aggregate classification.

Literature cited by the submitters: PubMed 2901226 (cited by Eurofins Ntd Llc (ga) and OMIM); PubMed 14551891 (cited by Laboratory for Molecular Medicine, Mass General Brigham Personalized Medicine); Cox, D. W. Alpha-1-antitrypsin deficiency. In: Scriver, C. R., Beaudet, A. L., Sly, W. S., Valle, D. (eds.) The Metabolic Basis of Inherited Disease. (6th ed.) New York: McGraw-Hill (pub.) 1989. (cited by OMIM); PubMed 2696185 (cited by Department of Laboratory Medicine and Genetics, Trillium Health Partners Credit Valley Hospital).

NM_001127701.1(SERPINA1):c.374G>A (p.Arg125His)

Gene: SERPINA1 (serpin family A member 1; minus strand). Cytogenetic location: 14q32.13.
Variant type: single nucleotide variant.
Coding change: c.374G>A on transcript NM_001127701.1; coding-DNA position 374, G replaced by A.
Protein change: p.Arg125His; replaces arginine 125 with histidine.
Molecular consequence: missense variant (on NM_000295.5).
Genome position (GRCh38, 1-based): chr14:94,382,864, C>T on the plus strand (G>A on the coding strand, the complement: SERPINA1 is on the minus strand). VCF-style: chr14-94382864-C-T. GRCh37 (hg19) VCF-style: chr14-94849201-C-T.
Other names: R101H; PI M4; SERPINA1, ARG101HIS ON M3; SERPINA1, ARG101HIS ON M1V; c.374G>A, p.Arg125His (NM_000295.5, NM_001002235.3, NM_001002236.3 and 8 more transcripts); short protein forms R125H.
Identifiers: ClinVar variation 17957 (VCV000017957.33), dbSNP rs709932, ClinGen allele CA127621.